The following is an entry in ClinVar:

NM_139242.4(MTFMT):c.689G>A (p.Gly230Glu)

Gene: MTFMT (mitochondrial methionyl-tRNA formyltransferase; minus strand). Cytogenetic location: 15q22.31.
Variant type: single nucleotide variant.
Coding change: c.689G>A on transcript NM_139242.4 (MANE Select); coding-DNA position 689, G replaced by A.
Protein change: p.Gly230Glu; replaces glycine 230 with glutamic acid.
Molecular consequence: missense variant.
Genome position (GRCh38, 1-based): chr15:65,020,229, C>T on the plus strand (G>A on the coding strand, the complement: MTFMT is on the minus strand). VCF-style: chr15-65020229-C-T. GRCh37 (hg19) VCF-style: chr15-65312567-C-T.
Other names: short protein forms G230E.
Identifiers: ClinVar variation 1393258 (VCV001393258.6), dbSNP rs779890669, ClinGen allele CA7613277.

ClinVar aggregate classification (germline): Uncertain significance (1 of 4 stars; one submission).

Allele frequency attached by ClinVar (database versions not stated): gnomAD exomes below 0.00001 and 0.00001; ExAC 0.00001; gnomAD 0.00001.
gnomAD v4.1: 9 of 1,612,410 alleles (0.00056%); highest among the groups gnomAD compares: Non-Finnish European, 0.00068%; no homozygotes.

Submission:

Labcorp Genetics (formerly Invitae), Labcorp
Classification: Uncertain significance. Last evaluated: 2024-10-07. Review status: criteria provided, single submitter. Criteria: Invitae Variant Classification Sherloc (09022015). Collection method: clinical testing. Allele origin: germline.
Comment: This sequence change replaces glycine, which is neutral and non-polar, with glutamic acid, which is acidic and polar, at codon 230 of the MTFMT protein (p.Gly230Glu). This variant is present in population databases (rs779890669, gnomAD 0.003%). This variant has not been reported in the literature in individuals affected with MTFMT-related conditions. ClinVar contains an entry for this variant (Variation ID: 1393258). Invitae Evidence Modeling of protein sequence and biophysical properties (such as structural, functional, and spatial information, amino acid conservation, physicochemical variation, residue mobility, and thermodynamic stability) indicates that this missense variant is not expected to disrupt MTFMT protein function with a negative predictive value of 95%. In summary, the available evidence is currently insufficient to determine the role of this variant in disease. Therefore, it has been classified as a Variant of Uncertain Significance.